The following is an entry in ClinVar:

ClinVar aggregate classification (germline): Uncertain significance (1 of 4 stars; one submission).

Conditions:
Glycogen storage disease IXa1. Also called: LIVER GLYCOGENOSIS, X-LINKED, TYPE I; GLYCOGEN STORAGE DISEASE VIII; GSD VIII; Glycogen storage disease 8. Identifiers: Orphanet 264580, MedGen C3694531, MONDO:0010598, OMIM 306000.

Submission:

Laboratorio de Biologia Molecular - Genetica, Hospital de Pediatria Garrahan
Classification: Uncertain significance for Glycogen storage disease IXa1. Last evaluated: 2026-05-20. Review status: criteria provided, single submitter. Criteria: ACMG Guidelines, 2015. Collection method: clinical testing. Allele origin: germline. Affected: yes. Observed: 1 variant allele.
Comment: This variant is an in-frame deletion that results in the deletion of 2 amino acids of the PHKA2 protein (p.Leu1140_Val1141del). This variant is predicted to be deleterious by computational evidence, with a MutPred-Indel score of 0.85 (PM4). This variant is not present in population databases (gnomAD no frequency) (PM2_supporting). This variant has not been reported in the literature in individuals affected with PHKA2-related conditions. In summary, the available evidence is currently insufficient to determine the role of this variant in disease. Therefore, it has been classified as a Variant of Uncertain Significance

NM_000292.3(PHKA2):c.3418_3423del (p.Leu1140_Val1141del)

Genes: PHKA2 (phosphorylase kinase regulatory subunit alpha 2; minus strand), PHKA2-AS1 (PHKA2 antisense RNA 1; plus strand). Cytogenetic location: Xp22.13.
Variant type: Deletion.
Coding change: c.3418_3423del on transcript NM_000292.3 (MANE Select); coding-DNA positions 3418 to 3423, 6 bases deleted (CTGGTG; older notation c.3418_3423delCTGGTG).
Protein change: p.Leu1140_Val1141del.
Molecular consequence: non-coding transcript variant (on NR_029379.1).
Genome position (GRCh38, 1-based): chrX:18,894,318-18,894,323, CACCAG deleted on the plus strand (CTGGTG on the coding strand, the reverse complement: PHKA2 is on the minus strand); deleting any 6 consecutive bases within chrX:18,894,318-18,894,325 gives the same sequence; the c. name uses the placement nearest the transcript's 3' end. VCF-style (leftmost placement, unchanged base first): chrX-18894317-CCACCAG-C. GRCh37 (hg19) VCF-style: chrX-18912435-CCACCAG-C.
Other names: c.3364_3369del, p.Leu1122_Val1123del (NM_001440800.1); c.3334_3339del, p.Leu1112_Val1113del (NM_001440801.1); c.3319_3324del, p.Leu1107_Val1108del (NM_001440802.1); c.3265_3270del, p.Leu1089_Val1090del (NM_001440803.1); c.3235_3240del, p.Leu1079_Val1080del (NM_001440804.1); c.3442_3447del, p.Leu1148_Val1149del (NM_001440805.1).
Identifiers: ClinVar variation 4871737 (VCV004871737.1).